The following is an entry in ClinVar:

NM_194318.4(B3GLCT):c.694C>G (p.Pro232Ala)

Gene: B3GLCT (beta 3-glucosyltransferase; plus strand). Cytogenetic location: 13q12.3.
Variant type: single nucleotide variant.
Coding change: c.694C>G on transcript NM_194318.4 (MANE Select); coding-DNA position 694, C replaced by G.
Protein change: p.Pro232Ala; replaces proline 232 with alanine.
Molecular consequence: missense variant.
Genome position (GRCh38, 1-based): chr13:31,274,542, C>G. VCF-style: chr13-31274542-C-G. GRCh37 (hg19) VCF-style: chr13-31848679-C-G.
Other names: short protein forms P232A.
Identifiers: ClinVar variation 1346186 (VCV001346186.6), dbSNP rs890958730, ClinGen allele CA247429067.

ClinVar aggregate classification (germline): Uncertain significance (1 of 4 stars; one submission).

Conditions:
Peters plus syndrome. Also called: KRAUSE-KIVLIN SYNDROME. Identifiers: Orphanet 709, MedGen C0796012, MONDO:0009856, OMIM 261540.

gnomAD v4.1: 1 of 1,614,188 alleles (0.000062%); no homozygotes.

Submission:

Labcorp Genetics (formerly Invitae), Labcorp
Classification: Uncertain significance for Peters plus syndrome. Last evaluated: 2025-06-09. Review status: criteria provided, single submitter. Criteria: Invitae Variant Classification Sherloc (09022015). Collection method: clinical testing. Allele origin: germline.
Comment: This sequence change replaces proline, which is neutral and non-polar, with alanine, which is neutral and non-polar, at codon 232 of the B3GLCT protein (p.Pro232Ala). This variant is not present in population databases (gnomAD no frequency). This variant has not been reported in the literature in individuals affected with B3GLCT-related conditions. ClinVar contains an entry for this variant (Variation ID: 1346186). Invitae Evidence Modeling of protein sequence and biophysical properties (such as structural, functional, and spatial information, amino acid conservation, physicochemical variation, residue mobility, and thermodynamic stability) indicates that this missense variant is not expected to disrupt B3GLCT protein function with a negative predictive value of 80%. In summary, the available evidence is currently insufficient to determine the role of this variant in disease. Therefore, it has been classified as a Variant of Uncertain Significance.